The following is an entry in ClinVar:

NC_000001.11:g.(?_55006987)_(55008638_?)del

Gene: BSND (barttin CLCNK type accessory subunit beta; plus strand). Cytogenetic location: 1p32.3.
Variant type: Deletion.
Identifiers: ClinVar variation 830840 (VCV000830840.7).

ClinVar aggregate classification (germline): Likely pathogenic (1 of 4 stars; one submission).

Submission:

Labcorp Genetics (formerly Invitae), Labcorp
Classification: Likely pathogenic. Last evaluated: 2019-11-10. Review status: criteria provided, single submitter. Criteria: Invitae Variant Classification Sherloc (09022015). Collection method: clinical testing. Allele origin: germline.
Comment: In summary, the currently available evidence indicates that the variant is pathogenic, but additional data are needed to prove that conclusively. Therefore, this variant has been classified as Likely Pathogenic. This variant has been observed to segregate with Bartter syndrome with sensorineural deafness in a family (PMID: 11687798, 11433084). This variant is a gross deletion of the genomic region encompassing exons 3-4 of the BSND gene. The 5' boundary is likely confined to intron 2. The 3' end of this event is unknown as it extends through the termination codon beyond the assayed region for this gene and may encompass additional genes. While this deletion is not anticipated to result in nonsense mediated decay, it is expected to create a truncated protein product or disrupt mRNA translation.

Literature cited by the submitters: PubMed 11687798; PubMed 11433084.